The following is an entry in ClinVar:

NM_003079.5(SMARCE1):c.47C>G (p.Ala16Gly)

Gene: SMARCE1 (SWI/SNF related BAF chromatin remodeling complex subunit E1; minus strand). Cytogenetic location: 17q21.2.
Variant type: single nucleotide variant.
Coding change: c.47C>G on transcript NM_003079.5 (MANE Select); coding-DNA position 47, C replaced by G.
Protein change: p.Ala16Gly; replaces alanine 16 with glycine.
Molecular consequence: missense variant.
Genome position (GRCh38, 1-based): chr17:40,645,580, G>C on the plus strand (C>G on the coding strand, the complement: SMARCE1 is on the minus strand). VCF-style: chr17-40645580-G-C. GRCh37 (hg19) VCF-style: chr17-38801832-G-C.
Other names: short protein forms A16G.
Identifiers: ClinVar variation 4842263 (VCV004842263.1).

ClinVar aggregate classification (germline): Uncertain significance (1 of 4 stars; one submission).

Conditions:
Hereditary cancer-predisposing syndrome. Also called: Neoplastic Syndromes, Hereditary; Tumor predisposition; Hereditary Cancer Syndrome; Hereditary neoplastic syndrome. Identifiers: Orphanet 140162, MedGen C0027672, MeSH D009386, MONDO:0015356.

Submission:

Ambry Genetics
Classification: Uncertain significance for Hereditary cancer-predisposing syndrome. Last evaluated: 2026-02-23. Review status: criteria provided, single submitter. Criteria: Ambry Variant Classification Scheme 2023. Collection method: clinical testing. Allele origin: germline.
Comment: The p.A16G variant (also known as c.47C>G), located in coding exon 2 of the SMARCE1 gene, results from a C to G substitution at nucleotide position 47. The alanine at codon 16 is replaced by glycine, an amino acid with similar properties. This amino acid position is conserved. In addition, this alteration is predicted to be tolerated by in silico analysis. Based on the available evidence, the clinical significance of this variant remains unclear.